The following is an entry in ClinVar:

ClinVar aggregate classification (germline): Likely pathogenic (1 of 4 stars; one submission).

Conditions:
Inborn genetic diseases. Identifiers: MedGen C0950123, MeSH D030342.

Submission:

Ambry Genetics
Classification: Likely pathogenic for Inborn genetic diseases. Last evaluated: 2025-08-19. Review status: criteria provided, single submitter. Criteria: Ambry Variant Classification Scheme 2023. Collection method: clinical testing. Allele origin: germline.
Comment: The p.W729C variant (also known as c.2187G>C), located in coding exon 13 of the SCN2A gene, results from a G to C substitution at nucleotide position 2187. The tryptophan at codon 729 is replaced by cysteine, an amino acid with highly dissimilar properties. This amino acid position is highly conserved in available vertebrate species. In addition, this alteration is predicted to be deleterious by in silico analysis. This variant is considered to be rare based on population cohorts in the Genome Aggregation Database (gnomAD). Based on the majority of available evidence to date, this variant is likely to be pathogenic.

NM_001040142.2(SCN2A):c.2187G>C (p.Trp729Cys)

Gene: SCN2A (sodium voltage-gated channel alpha subunit 2; plus strand). Cytogenetic location: 2q24.3.
Variant type: single nucleotide variant.
Coding change: c.2187G>C on transcript NM_001040142.2 (MANE Select); coding-DNA position 2187, G replaced by C.
Protein change: p.Trp729Cys; replaces tryptophan 729 with cysteine.
Molecular consequence: missense variant.
Genome position (GRCh38, 1-based): chr2:165,331,367, G>C. VCF-style: chr2-165331367-G-C. GRCh37 (hg19) VCF-style: chr2-166187877-G-C.
Other names: c.2187G>C, p.Trp729Cys (NM_001040143.2, NM_001371246.1, NM_001371247.1 and 1 more transcripts); short protein forms W729C.
Identifiers: ClinVar variation 1787351 (VCV001787351.3), dbSNP rs1553574531, ClinGen allele CA349030609.
Genomic context (GRCh38, chr2:165,331,367, plus strand): 5'-GATTCTAACTTTTTTTCTTCCAGAACTTGAAGAATCCAGACAGAAATGCCCACCATGCTG[G>C]TATAAATTTGCTAATATGTGTTTGATTTGGGACTGTTGTAAACCATGGTTAAAGGTGAAA-3'
Protein context (NP_001035232.1, residues 719-739): EESRQKCPPC[Trp729Cys]YKFANMCLIW